The following is an entry in ClinVar:

NM_000368.5(TSC1):c.1355_1358del (p.Gly452fs)

Gene: TSC1 (TSC complex subunit 1; minus strand). Cytogenetic location: 9q34.13.
Variant type: Deletion.
Coding change: c.1355_1358del on transcript NM_000368.5 (MANE Select); coding-DNA positions 1355 to 1358, 4 bases deleted (GTTC; older notation c.1355_1358delGTTC).
Protein change: p.Gly452fs; shifts the reading frame from glycine 452.
Molecular consequence: frameshift variant. On other transcripts: non-coding transcript variant (5).
Genome position (GRCh38, 1-based): chr9:132,906,811-132,906,814, GAAC deleted on the plus strand (GTTC on the coding strand, the reverse complement: TSC1 is on the minus strand). VCF-style (leftmost placement, unchanged base first): chr9-132906810-AGAAC-A. GRCh37 (hg19) VCF-style: chr9-135782197-AGAAC-A.
Other names: c.1352_1355del, p.Gly451fs (NM_001162426.2, NM_001406597.1, NM_001406598.1 and 6 more transcripts); c.1202_1205del, p.Gly401fs (NM_001162427.2, NM_001406610.1); c.992_995del, p.Gly331fs (NM_001362177.2, NM_001406624.1, NM_001406614.1 and 5 more transcripts); c.1355_1358del, p.Gly452fs (NM_001406592.1, NM_001406593.1, NM_001406594.1 and 7 more transcripts); c.1199_1202del, p.Gly400fs (NM_001406611.1, NM_001406612.1, NM_001406613.1); c.989_992del, p.Gly330fs (NM_001406622.1, NM_001406623.1, NM_001406625.1 and 2 more transcripts); c.404_407del, p.Gly135fs (NM_001406626.1); c.401_404del, p.Gly134fs (NM_001406627.1, NM_001406628.1); and 2 more; short protein forms G101fs, G134fs, G135fs, G330fs, G331fs, G400fs, G401fs, G451fs.
Identifiers: ClinVar variation 3777255 (VCV003777255.1).

ClinVar aggregate classification (germline): Pathogenic (1 of 4 stars; one submission).

Conditions:
Tuberous sclerosis 1 (TSC1). Identifiers: Orphanet 805, MedGen C1854465, MONDO:0008612, OMIM 191100.

Submission:

Oasi Research Institute-IRCCS
Classification: Pathogenic for Tuberous sclerosis 1. Review status: criteria provided, single submitter. Criteria: ACMG Guidelines, 2015. Collection method: research. Allele origin: de novo. Affected: yes.
Comment: The genomic variant c.1355_1358delGTTC is a frameshift deletion caused by the deletion of four nucleotides. This variant creates a premature translational stop signal and is expected to result in a protein truncation or nonsense-mediated decay. ACMG criteria: PVS1 (LOF), PP4 (phenotype match), PM2 (absent from controls), PP3 (in silico evidence), PS2 (de novo)= Pathogenic. Based on the evidence outlined above, the variant was classified as Pathogenic.